The following is an entry in ClinVar:

ClinVar aggregate classification (germline): Uncertain significance (1 of 4 stars; one submission).

Submission:

Ambry Genetics
Classification: Uncertain significance. Last evaluated: 2021-12-10. Review status: criteria provided, single submitter. Criteria: Ambry Variant Classification Scheme 2023. Collection method: clinical testing. Allele origin: germline.
Comment: The p.D349V variant (also known as c.1046A>T), located in coding exon 5 of the MNDA gene, results from an A to T substitution at nucleotide position 1046. The aspartic acid at codon 349 is replaced by valine, an amino acid with highly dissimilar properties. This amino acid position is conserved. In addition, this alteration is predicted to be tolerated by in silico analysis. Since supporting evidence is limited at this time, the clinical significance of this alteration remains unclear.

NM_002432.3(MNDA):c.1046A>T (p.Asp349Val)

Gene: MNDA (myeloid cell nuclear differentiation antigen; plus strand). Cytogenetic location: 1q23.1.
Variant type: single nucleotide variant.
Coding change: c.1046A>T on transcript NM_002432.3 (MANE Select); coding-DNA position 1046, A replaced by T.
Protein change: p.Asp349Val; replaces aspartic acid 349 with valine.
Molecular consequence: missense variant.
Genome position (GRCh38, 1-based): chr1:158,847,786, A>T. VCF-style: chr1-158847786-A-T. GRCh37 (hg19) VCF-style: chr1-158817576-A-T.
Other names: short protein forms D349V.
Identifiers: ClinVar variation 1775441 (VCV001775441.2), dbSNP rs1214354673, ClinGen allele CA343044015.
Genomic context (GRCh38, chr1:158,847,786, plus strand): 5'-AGAAAAGCGTACACAAGAAGAACACAATTTATGAAATACAGGATAATACAGGATCCATGG[A>T]TGTAGTGGGGAGTGGAAAATGGCACAATATCAAGTGTGAGAAAGGAGATAAACTTCGACT-3'
Protein context (NP_002423.1, residues 339-359): YEIQDNTGSM[Asp349Val]VVGSGKWHNI